The following is an entry in ClinVar:

NM_000254.3(MTR):c.959T>G (p.Val320Gly)

Gene: MTR (5-methyltetrahydrofolate-homocysteine methyltransferase; plus strand). Cytogenetic location: 1q43.
Variant type: single nucleotide variant.
Coding change: c.959T>G on transcript NM_000254.3 (MANE Select); coding-DNA position 959, T replaced by G.
Protein change: p.Val320Gly; replaces valine 320 with glycine.
Molecular consequence: missense variant. On other transcripts: 5 prime UTR variant (1).
Genome position (GRCh38, 1-based): chr1:236,826,860, T>G. VCF-style: chr1-236826860-T-G. GRCh37 (hg19) VCF-style: chr1-236990160-T-G.
Other names: c.959T>G, p.Val320Gly (NM_001291939.1); c.-150T>G (NM_001291940.2); short protein forms V320G.
Identifiers: ClinVar variation 1307923 (VCV001307923.3), dbSNP rs1249121056, ClinGen allele CA345390966.

ClinVar aggregate classification (germline): Uncertain significance (1 of 4 stars; one submission).

Allele frequency attached by ClinVar (database versions not stated): gnomAD exomes below 0.00001.
gnomAD v4.1: 1 of 1,614,136 alleles (0.000062%); highest among the groups gnomAD compares: Non-Finnish European, 0.000085%; no homozygotes.

Submission:

GeneDx
Classification: Uncertain significance. Last evaluated: 2025-10-11. Review status: criteria provided, single submitter. Criteria: GeneDx Variant Classification Process June 2021. Collection method: clinical testing. Allele origin: germline. Affected: yes.
Comment: Not observed at significant frequency in large population cohorts (gnomAD); In silico analysis supports that this missense variant has a deleterious effect on protein structure/function; Has not been previously published as pathogenic or benign to our knowledge